The following is an entry in ClinVar:

ClinVar aggregate classification (germline): Benign/Likely benign. Review status: criteria provided, multiple submitters, no conflicts (2 of 4 stars). 2 submissions from 2 submitters: Benign (1); Likely benign (1). Last evaluated 2026-10-01.

Allele frequency attached by ClinVar (database versions not stated): 1000 Genomes Project 0.00040; 1000 Genomes Project 30x 0.00062; ESP Exome Variant Server 0.00087; ExAC 0.00108; gnomAD 0.00113 and 0.00115; TOPMed 0.00122; gnomAD exomes 0.00123.
gnomAD v4.1: 986 of 765,236 alleles (0.13%); highest among the groups gnomAD compares: Middle Eastern, 0.25%; 5 homozygotes.

Submissions (2):

CeGaT Center for Human Genetics Tuebingen
Classification: Likely benign. Last evaluated: 2026-10-01. Review status: criteria provided, single submitter. Criteria: CeGaT Center For Human Genetics Tuebingen Variant Classification Criteria Version 2. Collection method: clinical testing. Allele origin: germline. Affected: yes. Observed: 16 variant alleles.
Comment: GABRB3: PP2, BP4, BS1

Breakthrough Genomics
Classification: Benign. Review status: criteria provided, single submitter. Criteria: ACMG Guidelines, 2015. Collection method: not provided. Allele origin: germline. Inheritance: Autosomal dominant inheritance. Affected: yes.

NC_000015.10:g.26939405G>A

Genes: GABRA5 (gamma-aminobutyric acid type A receptor subunit alpha5; plus strand), GABRB3 (gamma-aminobutyric acid type A receptor subunit beta3; minus strand). Cytogenetic location: 15q12.
Variant type: single nucleotide variant.
Molecular consequence: intron variant (on NM_000810.4).
Genome position: GRCh38 VCF-style: chr15-26939405-G-A. GRCh37 (hg19) VCF-style: chr15-27184552-G-A.
Other names: c.725-520G>A (NM_001165037.2, NM_000810.4).
Identifiers: ClinVar variation 1675559 (VCV001675559.34), dbSNP rs149476177, ClinGen allele CA7437944.